The following is an entry in ClinVar:

NM_032482.3(DOT1L):c.2758G>A (p.Ala920Thr)

Gene: DOT1L (DOT1 like histone lysine methyltransferase; plus strand). Cytogenetic location: 19p13.3.
Variant type: single nucleotide variant.
Coding change: c.2758G>A on transcript NM_032482.3 (MANE Select); coding-DNA position 2758, G replaced by A.
Protein change: p.Ala920Thr; replaces alanine 920 with threonine.
Molecular consequence: missense variant.
Genome position (GRCh38, 1-based): chr19:2,220,174, G>A. VCF-style: chr19-2220174-G-A. GRCh37 (hg19) VCF-style: chr19-2220173-G-A.
Other names: c.2758G>A, p.Ala920Thr (NM_001411141.1); short protein forms A920T.
Identifiers: ClinVar variation 5040123 (VCV005040123.1).

ClinVar aggregate classification (germline): Uncertain significance (1 of 4 stars; one submission).

gnomAD v4.1: 1 of 1,613,772 alleles (0.000062%); highest among the groups gnomAD compares: Admixed American, 0.0017%; no homozygotes.

Submission:

CeGaT Center for Human Genetics Tuebingen
Classification: Uncertain significance. Last evaluated: 2026-07-01. Review status: criteria provided, single submitter. Criteria: CeGaT Center For Human Genetics Tuebingen Variant Classification Criteria Version 2. Collection method: clinical testing. Allele origin: germline. Affected: yes. Observed: 1 variant allele.
Comment: DOT1L: PM2, BP4